The following is an entry in ClinVar:

ClinVar aggregate classification (germline): Uncertain significance (1 of 4 stars; one submission).

Allele frequency attached by ClinVar (database versions not stated): TOPMed 0.00004; gnomAD 0.00005; gnomAD exomes 0.00005; ExAC 0.00007; ESP Exome Variant Server 0.00008.
gnomAD v4.1: 93 of 1,612,576 alleles (0.0058%); highest among the groups gnomAD compares: Non-Finnish European, 0.0071%; no homozygotes.

Submission:

Labcorp Genetics (formerly Invitae), Labcorp
Classification: Uncertain significance. Last evaluated: 2024-10-23. Review status: criteria provided, single submitter. Criteria: Invitae Variant Classification Sherloc (09022015). Collection method: clinical testing. Allele origin: germline.
Comment: This sequence change replaces proline, which is neutral and non-polar, with serine, which is neutral and polar, at codon 1256 of the ADGRB2 protein (p.Pro1256Ser). This variant is present in population databases (rs368610104, gnomAD 0.01%). This variant has not been reported in the literature in individuals affected with ADGRB2-related conditions. ClinVar contains an entry for this variant (Variation ID: 2416057). An algorithm developed to predict the effect of missense changes on protein structure and function (PolyPhen-2) suggests that this variant is likely to be tolerated. In summary, the available evidence is currently insufficient to determine the role of this variant in disease. Therefore, it has been classified as a Variant of Uncertain Significance.

NM_001364857.2(ADGRB2):c.3865C>T (p.Pro1289Ser)

Gene: ADGRB2 (adhesion G protein-coupled receptor B2; minus strand). Cytogenetic location: 1p35.2.
Variant type: single nucleotide variant.
Coding change: c.3865C>T on transcript NM_001364857.2 (MANE Select); coding-DNA position 3865, C replaced by T.
Protein change: p.Pro1289Ser; replaces proline 1289 with serine.
Molecular consequence: missense variant.
Genome position (GRCh38, 1-based): chr1:31,731,315, G>A on the plus strand (C>T on the coding strand, the complement: ADGRB2 is on the minus strand). VCF-style: chr1-31731315-G-A. GRCh37 (hg19) VCF-style: chr1-32196916-G-A.
Other names: c.3865C>T, p.Pro1289Ser (NM_001294335.2, NM_001703.2); c.3766C>T, p.Pro1256Ser (NM_001294336.2); short protein forms P1256S, P1289S.
Identifiers: ClinVar variation 2416057 (VCV002416057.6), dbSNP rs368610104, ClinGen allele CA735180.